The following is an entry in ClinVar:

NM_022168.4(IFIH1):c.436A>G (p.Ile146Val)

Gene: IFIH1 (interferon induced with helicase C domain 1; minus strand). Cytogenetic location: 2q24.2.
Variant type: single nucleotide variant.
Coding change: c.436A>G on transcript NM_022168.4 (MANE Select); coding-DNA position 436, A replaced by G.
Protein change: p.Ile146Val; replaces isoleucine 146 with valine.
Molecular consequence: missense variant.
Genome position (GRCh38, 1-based): chr2:162,317,872, T>C on the plus strand (A>G on the coding strand, the complement: IFIH1 is on the minus strand). VCF-style: chr2-162317872-T-C. GRCh37 (hg19) VCF-style: chr2-163174382-T-C.
Other names: p.Ile146Val; c.436A>G (NM_022168.2); c.436A>G, p.Ile146Val (LRG_1235t1); short protein forms I146V.
Identifiers: ClinVar variation 541790 (VCV000541790.17), dbSNP rs146721166, ClinGen allele CA1934829.

ClinVar aggregate classification (germline): Likely benign. Review status: criteria provided, multiple submitters, no conflicts (2 of 4 stars). 5 submissions from 5 submitters: Likely benign (4). 1 of the submissions does not count toward it. Last evaluated 2026-01-27.

Conditions:
Inborn genetic diseases. Identifiers: MedGen C0950123, MeSH D030342.
IFIH1-related disorder. Also called: IFIH1-related condition.
Aicardi-Goutieres syndrome 7 (AGS7). Identifiers: Orphanet 51, MedGen C3888244, MONDO:0014367, OMIM 615846.
Singleton-Merten syndrome 1 (SGMRT1). Also called: Widened medullary cavities of bone, aortic calcification, abnormal dentition, and muscular weakness; Syndrome of widened medullary cavities of the metacarpals and phalanges, aortic calcification and abnormal dentition. Identifiers: Orphanet 85191, MedGen C4225427, MONDO:0024535, OMIM 182250.

Allele frequency attached by ClinVar (database versions not stated): gnomAD exomes 0.00010 and 0.00030; ExAC 0.00041; 1000 Genomes Project 0.00120; gnomAD 0.00122 and 0.00129; 1000 Genomes Project 30x 0.00125; ESP Exome Variant Server 0.00131; TOPMed 0.00145.
gnomAD v4.1: 335 of 1,586,202 alleles (0.021%); highest among the groups gnomAD compares: African/African-American, 0.41%; 2 homozygotes.

Submissions (5):

Labcorp Genetics (formerly Invitae), Labcorp
Classification: Likely benign for Aicardi-Goutieres syndrome 7; Singleton-Merten syndrome 1. Last evaluated: 2026-01-27. Review status: criteria provided, single submitter. Criteria: Invitae Variant Classification Sherloc (09022015). Collection method: clinical testing. Allele origin: germline.

Mayo Clinic Laboratories, Mayo Clinic
Classification: Likely benign. Last evaluated: 2025-02-26. Review status: criteria provided, single submitter. Criteria: ACMG Guidelines, 2015. Collection method: clinical testing. Allele origin: germline. Observed: 1 variant allele.
Comment: BS1, BP4_moderate

Blueprint Genetics
Classification: Likely benign. Last evaluated: 2024-07-04. Review status: criteria provided, single submitter. Criteria: ACMG Guidelines, 2015. Collection method: clinical testing. Allele origin: germline.

Ambry Genetics
Classification: Likely benign for Inborn genetic diseases. Last evaluated: 2022-08-01. Review status: criteria provided, single submitter. Criteria: Ambry Variant Classification Scheme 2023. Collection method: clinical testing. Allele origin: germline.

PreventionGenetics, part of Exact Sciences
Classification: Likely benign for IFIH1-related condition. Last evaluated: 2020-02-07. Review status: no assertion criteria provided. Collection method: clinical testing. Allele origin: germline. Not counted in ClinVar's aggregate classification.
Comment: This variant is classified as likely benign based on ACMG/AMP sequence variant interpretation guidelines (Richards et al. 2015 PMID: 25741868, with internal and published modifications).